The following is an entry in ClinVar:

ClinVar aggregate classification (germline): Uncertain significance (1 of 4 stars; one submission).

Conditions:
Cardiovascular phenotype. Identifiers: MedGen CN230736.

Submission:

Ambry Genetics
Classification: Uncertain significance for Cardiovascular phenotype. Last evaluated: 2026-08-29. Review status: criteria provided, single submitter. Criteria: Ambry Variant Classification Scheme 2023. Collection method: clinical testing. Allele origin: germline.
Comment: The p.V110L variant (also known as c.328G>C), located in coding exon 3 of the COL1A1 gene, results from a G to C substitution at nucleotide position 328. The valine at codon 110 is replaced by leucine, an amino acid with highly similar properties. This amino acid position is conserved. In addition, the in silico prediction for this alteration is inconclusive. Based on the available evidence, the clinical significance of this variant remains unclear.

NM_000088.4(COL1A1):c.328G>C (p.Val110Leu)

Gene: COL1A1 (collagen type I alpha 1 chain; minus strand). Cytogenetic location: 17q21.33.
Variant type: single nucleotide variant.
Coding change: c.328G>C on transcript NM_000088.4 (MANE Select); coding-DNA position 328, G replaced by C.
Protein change: p.Val110Leu; replaces valine 110 with leucine.
Molecular consequence: missense variant.
Genome position (GRCh38, 1-based): chr17:50,199,561, C>G on the plus strand (G>C on the coding strand, the complement: COL1A1 is on the minus strand). VCF-style: chr17-50199561-C-G. GRCh37 (hg19) VCF-style: chr17-48276922-C-G.
Other names: short protein forms V110L.
Identifiers: ClinVar variation 5034693 (VCV005034693.1).